The following is an entry in ClinVar:

NM_004656.4(BAP1):c.333C>T (p.Thr111=)

Gene: BAP1 (BRCA1 associated deubiquitinase 1; minus strand). Cytogenetic location: 3p21.1.
Variant type: single nucleotide variant.
Coding change: c.333C>T on transcript NM_004656.4 (MANE Select); coding-DNA position 333, C replaced by T.
Protein change: p.Thr111=; no amino-acid change (threonine 111 retained).
Molecular consequence: synonymous variant.
Genome position (GRCh38, 1-based): chr3:52,408,000, G>A on the plus strand (C>T on the coding strand, the complement: BAP1 is on the minus strand). VCF-style: chr3-52408000-G-A. GRCh37 (hg19) VCF-style: chr3-52442016-G-A.
Other names: c.333C>T (LRG_529t1).
Identifiers: ClinVar variation 417279 (VCV000417279.22), dbSNP rs375700254, ClinGen allele CA2437124.

ClinVar aggregate classification (germline): Benign/Likely benign. Review status: criteria provided, multiple submitters, no conflicts (2 of 4 stars). 7 submissions from 7 submitters: Benign (1); Likely benign (6). Last evaluated 2026-01-25.

Conditions:
BAP1-related disorder. Also called: BAP1-related condition.
Hereditary cancer-predisposing syndrome. Also called: Hereditary Cancer Syndrome; Tumor predisposition; Hereditary neoplastic syndrome; Neoplastic Syndromes, Hereditary. Identifiers: Orphanet 140162, MedGen C0027672, MeSH D009386, MONDO:0015356.
BAP1-related tumor predisposition syndrome (TPDS1). Also called: TUMOR PREDISPOSITION SYNDROME 1; Tumor susceptibility linked to germline BAP1 mutations; BAP1 tumor predisposition syndrome; COMMON Syndrome. Identifiers: Orphanet 289539, MedGen C3280492, MONDO:0013692, OMIM 614327.

Allele frequency attached by ClinVar (database versions not stated): ExAC 0.00004; gnomAD exomes 0.00004 and 0.00010; gnomAD 0.00007 and 0.00008; TOPMed 0.00007; ESP Exome Variant Server 0.00008.
gnomAD v4.1: 159 of 1,613,806 alleles (0.0099%); highest among the groups gnomAD compares: Non-Finnish European, 0.013%; no homozygotes.

Submissions (7):

Labcorp Genetics (formerly Invitae), Labcorp
Classification: Likely benign for BAP1-related tumor predisposition syndrome. Last evaluated: 2026-01-25. Review status: criteria provided, single submitter. Criteria: Invitae Variant Classification Sherloc (09022015). Collection method: clinical testing. Allele origin: germline.

PreventionGenetics, part of Exact Sciences
Classification: Likely benign for BAP1-related condition. Last evaluated: 2025-09-16. Review status: criteria provided, single submitter. Criteria: ACMG Guidelines, 2015. Collection method: clinical testing. Allele origin: germline.
Comment: This variant is classified as likely benign based on ACMG/AMP sequence variant interpretation guidelines (Richards et al. 2015 PMID: 25741868, with internal and published modifications).

Blueprint Genetics
Classification: Likely benign. Last evaluated: 2024-09-19. Review status: criteria provided, single submitter. Criteria: ACMG Guidelines, 2015. Collection method: clinical testing. Allele origin: germline.

Myriad Genetics, Inc.
Classification: Benign for BAP1-related tumor predisposition syndrome. Last evaluated: 2024-07-12. Review status: criteria provided, single submitter. Criteria: Myriad Autosomal Dominant, Autosomal Recessive and X-Linked Classification Criteria (2023). Collection method: clinical testing. Allele origin: unknown.
Comment: This variant is considered benign. This variant is a silent/synonymous amino acid change and it is not expected to impact splicing.

GeneDx
Classification: Likely benign. Last evaluated: 2019-11-19. Review status: criteria provided, single submitter. Criteria: GeneDx Variant Classification Process June 2021. Collection method: clinical testing. Allele origin: germline. Affected: yes.

Color Diagnostics, LLC DBA Color Health
Classification: Likely benign for Hereditary cancer-predisposing syndrome. Last evaluated: 2016-06-14. Review status: criteria provided, single submitter. Criteria: ACMG Guidelines, 2015. Collection method: clinical testing. Allele origin: germline.

Ambry Genetics
Classification: Likely benign for Hereditary cancer-predisposing syndrome. Last evaluated: 2015-06-18. Review status: criteria provided, single submitter. Criteria: Ambry Variant Classification Scheme 2023. Collection method: clinical testing. Allele origin: germline.